The following is an entry in ClinVar:

NM_001127208.3(TET2):c.503C>A (p.Thr168Lys)

Genes: TET2 (tet methylcytosine dioxygenase 2; plus strand), TET2-AS1 (TET2 antisense RNA 1; minus strand). Cytogenetic location: 4q24.
Variant type: single nucleotide variant.
Coding change: c.503C>A on transcript NM_001127208.3 (MANE Select); coding-DNA position 503, C replaced by A.
Protein change: p.Thr168Lys; replaces threonine 168 with lysine.
Molecular consequence: missense variant.
Genome position (GRCh38, 1-based): chr4:105,234,445, C>A. VCF-style: chr4-105234445-C-A. GRCh37 (hg19) VCF-style: chr4-106155602-C-A.
Other names: c.503C>A, p.Thr168Lys (NM_017628.4); short protein forms T168K.
Identifiers: ClinVar variation 3806026 (VCV003806026.1).

ClinVar aggregate classification (germline): Uncertain significance (1 of 4 stars; one submission).

gnomAD v4.1: 4 of 1,613,890 alleles (0.00025%); highest among the groups gnomAD compares: Non-Finnish European, 0.00034%; no homozygotes.

Submission:

Ambry Genetics
Classification: Uncertain significance. Last evaluated: 2025-02-03. Review status: criteria provided, single submitter. Criteria: Ambry Variant Classification Scheme 2023. Collection method: clinical testing. Allele origin: germline.
Comment: The p.T168K variant (also known as c.503C>A), located in coding exon 1 of the TET2 gene, results from a C to A substitution at nucleotide position 503. The threonine at codon 168 is replaced by lysine, an amino acid with similar properties. This amino acid position is conserved. In addition, this alteration is predicted to be tolerated by in silico analysis. Based on the available evidence, the clinical significance of this variant remains unclear.